The following is an entry in ClinVar:

ClinVar aggregate classification (germline): Uncertain significance (1 of 4 stars; one submission).

Conditions:
Fanconi anemia (FA). Also called: Fanconi's anemia. Identifiers: Orphanet 84, MedGen C0015625, MeSH D005199, MONDO:0019391.

Allele frequency attached by ClinVar (database versions not stated): TOPMed below 0.00001; gnomAD 0.00001.
gnomAD v4.1: 3 of 1,187,144 alleles (0.00025%); highest among the groups gnomAD compares: Non-Finnish European, 0.00034%; no homozygotes.

Submission:

Labcorp Genetics (formerly Invitae), Labcorp
Classification: Uncertain significance for Fanconi anemia. Last evaluated: 2023-07-30. Review status: criteria provided, single submitter. Criteria: Invitae Variant Classification Sherloc (09022015). Collection method: clinical testing. Allele origin: germline.
Comment: In summary, the available evidence is currently insufficient to determine the role of this variant in disease. Therefore, it has been classified as a Variant of Uncertain Significance. Advanced modeling of protein sequence and biophysical properties (such as structural, functional, and spatial information, amino acid conservation, physicochemical variation, residue mobility, and thermodynamic stability) performed at Invitae indicates that this missense variant is expected to disrupt FANCB protein function. This variant has not been reported in the literature in individuals affected with FANCB-related conditions. This variant is not present in population databases (gnomAD no frequency). This sequence change replaces glycine, which is neutral and non-polar, with arginine, which is basic and polar, at codon 335 of the FANCB protein (p.Gly335Arg).

NM_001018113.3(FANCB):c.1003G>A (p.Gly335Arg)

Gene: FANCB (FA complementation group B; minus strand). Cytogenetic location: Xp22.2.
Variant type: single nucleotide variant.
Coding change: c.1003G>A on transcript NM_001018113.3 (MANE Select); coding-DNA position 1003, G replaced by A.
Protein change: p.Gly335Arg; replaces glycine 335 with arginine.
Molecular consequence: missense variant.
Genome position (GRCh38, 1-based): chrX:14,859,283, C>T on the plus strand (G>A on the coding strand, the complement: FANCB is on the minus strand). VCF-style: chrX-14859283-C-T. GRCh37 (hg19) VCF-style: chrX-14877405-C-T.
Other names: c.1003G>A, p.Gly335Arg (NM_001324162.2, NM_001410764.1, NM_152633.4); short protein forms G335R.
Identifiers: ClinVar variation 2974595 (VCV002974595.3), dbSNP rs1301717196, ClinGen allele CA412443209.